The following is an entry in ClinVar:

ClinVar aggregate classification (germline): Likely benign. Review status: criteria provided, single submitter (1 of 4 stars). 2 submissions from 2 submitters: Likely benign (1). 1 of the submissions does not count toward it. Last evaluated 2025-06-12.

Conditions:
ITGB4-related disorder. Also called: ITGB4-related condition.

Allele frequency attached by ClinVar (database versions not stated): ExAC 0.00007; TOPMed 0.00008; gnomAD 0.00010; 1000 Genomes Project 0.00060; 1000 Genomes Project 30x 0.00094.
gnomAD v4.1: 55 of 1,613,220 alleles (0.0034%); highest among the groups gnomAD compares: African/African-American, 0.036%; no homozygotes.

Submissions (2):

Labcorp Genetics (formerly Invitae), Labcorp
Classification: Likely benign. Last evaluated: 2025-06-12. Review status: criteria provided, single submitter. Criteria: Invitae Variant Classification Sherloc (09022015). Collection method: clinical testing. Allele origin: germline.

PreventionGenetics, part of Exact Sciences
Classification: Likely benign for ITGB4-related condition. Last evaluated: 2019-08-29. Review status: no assertion criteria provided. Collection method: clinical testing. Allele origin: germline. Not counted in ClinVar's aggregate classification.
Comment: This variant is classified as likely benign based on ACMG/AMP sequence variant interpretation guidelines (Richards et al. 2015 PMID: 25741868, with internal and published modifications).

NM_000213.5(ITGB4):c.2454C>T (p.Tyr818=)

Gene: ITGB4 (integrin subunit beta 4; plus strand). Cytogenetic location: 17q25.1.
Variant type: single nucleotide variant.
Coding change: c.2454C>T on transcript NM_000213.5 (MANE Select); coding-DNA position 2454, C replaced by T.
Protein change: p.Tyr818=; no amino-acid change (tyrosine 818 retained).
Molecular consequence: synonymous variant.
Genome position (GRCh38, 1-based): chr17:75,740,365, C>T. VCF-style: chr17-75740365-C-T. GRCh37 (hg19) VCF-style: chr17-73736446-C-T.
Other names: c.2454C>T, p.Tyr818= (NM_001005619.2, NM_001005731.3, NM_001321123.2).
Identifiers: ClinVar variation 2040883 (VCV002040883.6), dbSNP rs61735294, ClinGen allele CA8769411.
Genomic context (GRCh38, chr17:75,740,365, plus strand): 5'-CATGCAGGGGGCTGACCACCTCCATCTCACCCCCTCCCACCGCCTTTCCTTAGTGCCCTA[C>T]GGGCTGTCCTTGCGCCTGGCCCGCCTTTGCACCGAGAACCTGCTGAAGCCTGACACTCGG-3'
Protein context (NP_000204.3, residues 808-828): ASINPTELVP[Tyr818=]GLSLRLARLC